The following is an entry in ClinVar:

ClinVar aggregate classification (germline): Uncertain significance (1 of 4 stars; one submission).

Submission:

Ambry Genetics
Classification: Uncertain significance. Last evaluated: 2023-04-11. Review status: criteria provided, single submitter. Criteria: Ambry Variant Classification Scheme 2023. Collection method: clinical testing. Allele origin: germline.
Comment: The p.M453I variant (also known as c.1359G>A), located in coding exon 1 of the MLH3 gene, results from a G to A substitution at nucleotide position 1359. The methionine at codon 453 is replaced by isoleucine, an amino acid with highly similar properties. This amino acid position is conserved. In addition, this alteration is predicted to be tolerated by in silico analysis. Since supporting evidence is limited at this time, the clinical significance of this alteration remains unclear.

NM_001040108.2(MLH3):c.1359G>A (p.Met453Ile)

Gene: MLH3 (mutL homolog 3; minus strand). Cytogenetic location: 14q24.3.
Variant type: single nucleotide variant.
Coding change: c.1359G>A on transcript NM_001040108.2 (MANE Select); coding-DNA position 1359, G replaced by A.
Protein change: p.Met453Ile; replaces methionine 453 with isoleucine.
Molecular consequence: missense variant.
Genome position (GRCh38, 1-based): chr14:75,048,297, C>T on the plus strand (G>A on the coding strand, the complement: MLH3 is on the minus strand). VCF-style: chr14-75048297-C-T. GRCh37 (hg19) VCF-style: chr14-75515000-C-T.
Other names: c.1359G>A, p.Met453Ile (NM_014381.3); short protein forms M453I.
Identifiers: ClinVar variation 2563536 (VCV002563536.2), dbSNP rs1178044858, ClinGen allele CA390446228.